The following is an entry in ClinVar:

ClinVar aggregate classification (germline): Conflicting classifications of pathogenicity. Review status: criteria provided, conflicting classifications (1 of 4 stars). 4 submissions from 4 submitters: Uncertain significance (3); Likely benign (1). Last evaluated 2025-02-27.

Conditions:
Malignant hyperthermia, susceptibility to, 5 (MHS5). Also called: CACNA1S-Related Malignant Hyperthermia Susceptibility. Identifiers: Orphanet 423, MedGen C1866077, MONDO:0011163, OMIM 601887.
Hypokalemic periodic paralysis, type 1. Also called: Hypokalemic Periodic Paralysis Type 1 (AD); HypoPP. Identifiers: Orphanet 681, MedGen C3714580, MONDO:0042979, OMIM 170400.
Congenital myopathy 18. Also called: Myopathy, congenital, due to dihydropyridine receptor defect; DIHYDROPYRIDINE RECEPTOR CONGENITAL MYOPATHY; DHPR CONGENITAL MYOPATHY. Identifiers: MedGen C5830283, MONDO:0859514, OMIM 620246.
Thyrotoxic periodic paralysis, susceptibility to, 1 (TTPP1). Identifiers: Orphanet 79102, MedGen C2749982, MONDO:0008570, OMIM 188580.

Allele frequency attached by ClinVar (database versions not stated): TOPMed 0.00006; ESP Exome Variant Server 0.00008.
gnomAD v4.1: 10 of 1,614,040 alleles (0.00062%); highest among the groups gnomAD compares: African/African-American, 0.013%; no homozygotes.

Submissions (4):

Labcorp Genetics (formerly Invitae), Labcorp
Classification: Likely benign for Hypokalemic periodic paralysis, type 1; Malignant hyperthermia, susceptibility to, 5. Last evaluated: 2025-02-27. Review status: criteria provided, single submitter. Criteria: Invitae Variant Classification Sherloc (09022015). Collection method: clinical testing. Allele origin: germline.

All of Us Research Program, National Institutes of Health
Classification: Uncertain significance for Malignant hyperthermia, susceptibility to, 5. Last evaluated: 2024-06-11. Review status: criteria provided, single submitter. Criteria: ACMG Guidelines, 2015. Collection method: clinical testing. Allele origin: germline. Inheritance: Autosomal dominant inheritance. Observed: 3 variant alleles, 3 heterozygotes.
Comment: This missense variant replaces valine with isoleucine at codon 1642 of the CACNA1S protein. Computational prediction suggests that this variant may not impact protein structure and function (internally defined REVEL score threshold <= 0.5, PMID: 27666373). To our knowledge, functional studies have not been reported for this variant. This variant has not been reported in individuals affected with CACNA1S-related disorders in the literature. This variant has been identified in 4/282850 chromosomes in the general population by the Genome Aggregation Database (gnomAD). The available evidence is insufficient to determine the role of this variant in disease conclusively. Therefore, this variant is classified as a Variant of Uncertain Significance.

This study involves interpretation of variants in research participants for the purpose of population health screening. Participant phenotype was not available at the time of variant classification. Additional details can be found in publication PMID: 35346344, PMCID: PMC8962531

Fulgent Genetics
Classification: Uncertain significance for Hypokalemic periodic paralysis, type 1; Thyrotoxic periodic paralysis, susceptibility to, 1; Malignant hyperthermia, susceptibility to, 5; Congenital myopathy 18. Last evaluated: 2024-04-03. Review status: criteria provided, single submitter. Criteria: ACMG Guidelines, 2015. Collection method: clinical testing. Allele origin: germline.

Color Diagnostics, LLC DBA Color Health
Classification: Uncertain significance for Malignant hyperthermia, susceptibility to, 5. Last evaluated: 2023-11-22. Review status: criteria provided, single submitter. Criteria: ACMG Guidelines, 2015. Collection method: clinical testing. Allele origin: germline.
Comment: This missense variant replaces valine with isoleucine at codon 1642 of the CACNA1S protein. Computational prediction suggests that this variant may not impact protein structure and function. To our knowledge, functional studies have not been reported for this variant. This variant has not been reported in individuals affected with CACNA1S-related disorders in the literature. This variant has been identified in 4/282850 chromosomes in the general population by the Genome Aggregation Database (gnomAD). The available evidence is insufficient to determine the role of this variant in disease conclusively. Therefore, this variant is classified as a Variant of Uncertain Significance.

NM_000069.3(CACNA1S):c.4924G>A (p.Val1642Ile)

Gene: CACNA1S (calcium voltage-gated channel subunit alpha1 S; minus strand). Cytogenetic location: 1q32.1.
Variant type: single nucleotide variant.
Coding change: c.4924G>A on transcript NM_000069.3 (MANE Select); coding-DNA position 4924, G replaced by A.
Protein change: p.Val1642Ile; replaces valine 1642 with isoleucine.
Molecular consequence: missense variant.
Genome position (GRCh38, 1-based): chr1:201,043,405, C>T on the plus strand (G>A on the coding strand, the complement: CACNA1S is on the minus strand). VCF-style: chr1-201043405-C-T. GRCh37 (hg19) VCF-style: chr1-201012533-C-T.
Other names: short protein forms V1642I.
Identifiers: ClinVar variation 2928548 (VCV002928548.7), dbSNP rs148724065, ClinGen allele CA35992730.